The following is an entry in ClinVar:

ClinVar aggregate classification (germline): Uncertain significance (1 of 4 stars; one submission).

Conditions:
Mucopolysaccharidosis type 1. Also called: IDUA deficiency; MPS I; Mucopolysaccharidosis Type I. Identifiers: Orphanet 579, MedGen C0023786, MONDO:0001586.

Submission:

Labcorp Genetics (formerly Invitae), Labcorp
Classification: Uncertain significance for Mucopolysaccharidosis type 1. Last evaluated: 2024-04-10. Review status: criteria provided, single submitter. Criteria: Invitae Variant Classification Sherloc (09022015). Collection method: clinical testing. Allele origin: germline.
Comment: This sequence change replaces arginine, which is basic and polar, with lysine, which is basic and polar, at codon 48 of the IDUA protein (p.Arg48Lys). This variant is not present in population databases (gnomAD no frequency). This variant has not been reported in the literature in individuals affected with IDUA-related conditions. ClinVar contains an entry for this variant (Variation ID: 2148423). Algorithms developed to predict the effect of missense changes on protein structure and function output the following: SIFT: "Not Available"; PolyPhen-2: "Possibly Damaging"; Align-GVGD: "Not Available". The lysine amino acid residue is found in multiple mammalian species, which suggests that this missense change does not adversely affect protein function. In summary, the available evidence is currently insufficient to determine the role of this variant in disease. Therefore, it has been classified as a Variant of Uncertain Significance.

NM_000203.5(IDUA):c.143G>A (p.Arg48Lys)

Genes: IDUA (alpha-L-iduronidase; plus strand), SLC26A1 (solute carrier family 26 member 1; minus strand). Cytogenetic location: 4p16.3.
Variant type: single nucleotide variant.
Coding change: c.143G>A on transcript NM_000203.5 (MANE Select); coding-DNA position 143, G replaced by A.
Protein change: p.Arg48Lys; replaces arginine 48 with lysine.
Molecular consequence: missense variant. On other transcripts: non-coding transcript variant (1), intron variant (1).
Genome position (GRCh38, 1-based): chr4:987,227, G>A. VCF-style: chr4-987227-G-A. GRCh37 (hg19) VCF-style: chr4-981015-G-A.
Other names: c.576+3901C>T (NM_134425.4); short protein forms R48K.
Identifiers: ClinVar variation 2148423 (VCV002148423.2), dbSNP rs1309472813, ClinGen allele CA355945643.